The following is an entry in ClinVar:

ClinVar aggregate classification (germline): Uncertain significance. Review status: criteria provided, multiple submitters, no conflicts (2 of 4 stars). 2 submissions from 2 submitters: Uncertain significance (2). Last evaluated 2024-06-24.

Allele frequency attached by ClinVar (database versions not stated): gnomAD 0.00003 and 0.00004; ExAC 0.00004; gnomAD exomes 0.00004 and 0.00009; TOPMed 0.00005; ESP Exome Variant Server 0.00008.
gnomAD v4.1: 142 of 1,613,970 alleles (0.0088%); highest among the groups gnomAD compares: Non-Finnish European, 0.012%; no homozygotes.

Submissions (2):

Labcorp Genetics (formerly Invitae), Labcorp
Classification: Uncertain significance. Last evaluated: 2024-06-24. Review status: criteria provided, single submitter. Criteria: Invitae Variant Classification Sherloc (09022015). Collection method: clinical testing. Allele origin: germline.
Comment: This sequence change replaces valine, which is neutral and non-polar, with glutamic acid, which is acidic and polar, at codon 239 of the HYOU1 protein (p.Val239Glu). This variant is present in population databases (rs142623500, gnomAD 0.007%). This variant has not been reported in the literature in individuals affected with HYOU1-related conditions. ClinVar contains an entry for this variant (Variation ID: 1007071). An algorithm developed to predict the effect of missense changes on protein structure and function (PolyPhen-2) suggests that this variant is likely to be disruptive. In summary, the available evidence is currently insufficient to determine the role of this variant in disease. Therefore, it has been classified as a Variant of Uncertain Significance.

Ambry Genetics
Classification: Uncertain significance. Last evaluated: 2024-01-03. Review status: criteria provided, single submitter. Criteria: Ambry Variant Classification Scheme 2023. Collection method: clinical testing. Allele origin: germline.

NM_006389.5(HYOU1):c.716T>A (p.Val239Glu)

Gene: HYOU1 (hypoxia up-regulated 1; minus strand). Cytogenetic location: 11q23.3.
Variant type: single nucleotide variant.
Coding change: c.716T>A on transcript NM_006389.5 (MANE Select); coding-DNA position 716, T replaced by A.
Protein change: p.Val239Glu; replaces valine 239 with glutamic acid.
Molecular consequence: missense variant.
Genome position (GRCh38, 1-based): chr11:119,054,199, A>T on the plus strand (T>A on the coding strand, the complement: HYOU1 is on the minus strand). VCF-style: chr11-119054199-A-T. GRCh37 (hg19) VCF-style: chr11-118924911-A-T.
Other names: c.716T>A, p.Val239Glu (NM_001130991.3); c.716T>A (NM_006389.3); short protein forms V239E.
Identifiers: ClinVar variation 1007071 (VCV001007071.9), dbSNP rs142623500, ClinGen allele CA229647734.